The following is an entry in ClinVar:

NM_001369.3(DNAH5):c.2090T>A (p.Leu697Ter)

Genes: DNAH5 (dynein axonemal heavy chain 5; minus strand), DNAH5-AS1 (DNAH5 antisense RNA 1; plus strand). Cytogenetic location: 5p15.2.
Variant type: single nucleotide variant.
Coding change: c.2090T>A on transcript NM_001369.3 (MANE Select); coding-DNA position 2090, T replaced by A.
Protein change: p.Leu697Ter; replaces leucine 697 with a stop codon.
Molecular consequence: nonsense.
Genome position (GRCh38, 1-based): chr5:13,900,375, A>T on the plus strand (T>A on the coding strand, the complement: DNAH5 is on the minus strand). VCF-style: chr5-13900375-A-T. GRCh37 (hg19) VCF-style: chr5-13900484-A-T.
Other names: short protein forms L697*.
Identifiers: ClinVar variation 1984360 (VCV001984360.5), dbSNP rs1554096143, ClinGen allele CA359203811.

ClinVar aggregate classification (germline): Pathogenic (1 of 4 stars; one submission).

Conditions:
Primary ciliary dyskinesia. Also called: Ciliary dyskinesia. Identifiers: Orphanet 244, MedGen C0008780, MONDO:0016575, HP:0012265.

Submission:

Labcorp Genetics (formerly Invitae), Labcorp
Classification: Pathogenic for Primary ciliary dyskinesia. Last evaluated: 2022-03-13. Review status: criteria provided, single submitter. Criteria: Invitae Variant Classification Sherloc (09022015). Collection method: clinical testing. Allele origin: germline.
Comment: For these reasons, this variant has been classified as Pathogenic. Algorithms developed to predict the effect of sequence changes on RNA splicing suggest that this variant may disrupt the consensus splice site. This premature translational stop signal has been observed in individual(s) with primary ciliary dyskinesia (PMID: 31213628). This variant is not present in population databases (gnomAD no frequency). This sequence change creates a premature translational stop signal (p.Leu697*) in the DNAH5 gene. It is expected to result in an absent or disrupted protein product. Loss-of-function variants in DNAH5 are known to be pathogenic (PMID: 11788826, 16627867).

Literature cited by the submitters: PubMed 31213628; PubMed 11788826; PubMed 16627867.